The following is an entry in ClinVar:

ClinVar aggregate classification (germline): Uncertain significance (1 of 4 stars; one submission).

Allele frequency attached by ClinVar (database versions not stated): TOPMed below 0.00001; ExAC 0.00001; gnomAD 0.00001; ESP Exome Variant Server 0.00008.
gnomAD v4.1: 1 of 1,613,976 alleles (0.000062%); highest among the groups gnomAD compares: Non-Finnish European, 0.000085%; no homozygotes.

Submission:

Mayo Clinic Laboratories, Mayo Clinic
Classification: Uncertain significance. Last evaluated: 2022-04-01. Review status: criteria provided, single submitter. Criteria: ACMG Guidelines, 2015. Collection method: clinical testing. Allele origin: germline. Observed: 1 variant allele.
Comment: PP3, PM2

NM_006420.3(ARFGEF2):c.4832T>C (p.Leu1611Pro)

Gene: ARFGEF2 (ARF guanine nucleotide exchange factor 2; plus strand). Cytogenetic location: 20q13.13.
Variant type: single nucleotide variant.
Coding change: c.4832T>C on transcript NM_006420.3 (MANE Select); coding-DNA position 4832, T replaced by C.
Protein change: p.Leu1611Pro; replaces leucine 1611 with proline.
Molecular consequence: missense variant.
Genome position (GRCh38, 1-based): chr20:49,025,389, T>C. VCF-style: chr20-49025389-T-C. GRCh37 (hg19) VCF-style: chr20-47641926-T-C.
Other names: p.Leu1611Pro; c.4829T>C, p.Leu1610Pro (NM_001410846.1); short protein forms L1610P, L1611P.
Identifiers: ClinVar variation 2683546 (VCV002683546.1), dbSNP rs372176306, ClinGen allele CA9899342.